The following is an entry in ClinVar:

NM_005148.4(UNC119):c.574C>G (p.His192Asp)

Gene: UNC119 (unc-119 lipid binding chaperone; minus strand). Cytogenetic location: 17q11.2.
Variant type: single nucleotide variant.
Coding change: c.574C>G on transcript NM_005148.4 (MANE Select); coding-DNA position 574, C replaced by G.
Protein change: p.His192Asp; replaces histidine 192 with aspartic acid.
Molecular consequence: missense variant.
Genome position (GRCh38, 1-based): chr17:28,547,713, G>C on the plus strand (C>G on the coding strand, the complement: UNC119 is on the minus strand). VCF-style: chr17-28547713-G-C. GRCh37 (hg19) VCF-style: chr17-26874731-G-C.
Other names: c.574C>G, p.His192Asp (NM_054035.2); c.289C>G, p.His97Asp (NM_001330166.2); short protein forms H192D, H97D.
Identifiers: ClinVar variation 3724798 (VCV003724798.2).

ClinVar aggregate classification (germline): Uncertain significance (1 of 4 stars; one submission).

Submission:

Labcorp Genetics (formerly Invitae), Labcorp
Classification: Uncertain significance. Last evaluated: 2024-11-06. Review status: criteria provided, single submitter. Criteria: Invitae Variant Classification Sherloc (09022015). Collection method: clinical testing. Allele origin: germline.
Comment: This sequence change replaces histidine, which is basic and polar, with aspartic acid, which is acidic and polar, at codon 192 of the UNC119 protein (p.His192Asp). This variant is not present in population databases (gnomAD no frequency). This variant has not been reported in the literature in individuals affected with UNC119-related conditions. An algorithm developed to predict the effect of missense changes on protein structure and function (PolyPhen-2) suggests that this variant is likely to be disruptive. In summary, the available evidence is currently insufficient to determine the role of this variant in disease. Therefore, it has been classified as a Variant of Uncertain Significance.